The following is an entry in ClinVar:

NM_198578.4(LRRK2):c.4777A>G (p.Ser1593Gly)

Gene: LRRK2 (leucine rich repeat kinase 2; plus strand). Cytogenetic location: 12q12.
Variant type: single nucleotide variant.
Coding change: c.4777A>G on transcript NM_198578.4 (MANE Select); coding-DNA position 4777, A replaced by G.
Protein change: p.Ser1593Gly; replaces serine 1593 with glycine.
Molecular consequence: missense variant.
Genome position (GRCh38, 1-based): chr12:40,315,250, A>G. VCF-style: chr12-40315250-A-G. GRCh37 (hg19) VCF-style: chr12-40709052-A-G.
Other names: c.4777A>G (NM_198578.3); short protein forms S1593G.
Identifiers: ClinVar variation 2165030 (VCV002165030.5), dbSNP rs531805967, ClinGen allele CA6514280.

ClinVar aggregate classification (germline): Uncertain significance. Review status: criteria provided, multiple submitters, no conflicts (2 of 4 stars). 2 submissions from 2 submitters: Uncertain significance (2). Last evaluated 2023-12-16.

Conditions:
Inborn genetic diseases. Identifiers: MedGen C0950123, MeSH D030342.
Autosomal dominant Parkinson disease 8. Also called: Parkinson disease 8; Parkinson disease 8, susceptibility to; LRRK2-Related Parkinson Disease. Identifiers: Orphanet 411602, MedGen C1846862, MONDO:0011764, OMIM 607060.

Allele frequency attached by ClinVar (database versions not stated): ExAC 0.00001; TOPMed 0.00002.
gnomAD v4.1: 1 of 1,612,612 alleles (0.000062%); highest among the groups gnomAD compares: Admixed American, 0.0017%; no homozygotes.

Submissions (2):

Ambry Genetics
Classification: Uncertain significance for Inborn genetic diseases. Last evaluated: 2023-12-16. Review status: criteria provided, single submitter. Criteria: Ambry Variant Classification Scheme 2023. Collection method: clinical testing. Allele origin: germline.

Labcorp Genetics (formerly Invitae), Labcorp
Classification: Uncertain significance for Autosomal dominant Parkinson disease 8. Last evaluated: 2022-06-22. Review status: criteria provided, single submitter. Criteria: Invitae Variant Classification Sherloc (09022015). Collection method: clinical testing. Allele origin: germline.
Comment: This variant is present in population databases (rs531805967, gnomAD 0.0009%). In summary, the available evidence is currently insufficient to determine the role of this variant in disease. Therefore, it has been classified as a Variant of Uncertain Significance. Algorithms developed to predict the effect of missense changes on protein structure and function (SIFT, PolyPhen-2, Align-GVGD) all suggest that this variant is likely to be tolerated. This variant has not been reported in the literature in individuals affected with LRRK2-related conditions. This sequence change replaces serine, which is neutral and polar, with glycine, which is neutral and non-polar, at codon 1593 of the LRRK2 protein (p.Ser1593Gly).